The following is an entry in ClinVar:

NM_001375524.1(TRRAP):c.10314dup (p.Asp3439Ter)

Gene: TRRAP (transformation/transcription domain associated protein; plus strand). Cytogenetic location: 7q22.1.
Variant type: Duplication.
Coding change: c.10314dup on transcript NM_001375524.1 (MANE Select); coding-DNA position 10314, one base duplicated (T; older notation c.10314dupT).
Protein change: p.Asp3439Ter; replaces aspartic acid 3439 with a stop codon.
Molecular consequence: nonsense.
Genome position (GRCh38, 1-based): chr7:99,004,194, T duplicated; the last of 4 consecutive T bases (chr7:99,004,191-99,004,194); duplicating any one gives the same sequence. VCF-style (leftmost placement, unchanged base first): chr7-99004190-A-AT. GRCh37 (hg19) VCF-style: chr7-98601813-A-AT.
Other names: c.10272dup, p.Asp3425Ter (NM_001244580.2); c.10185dup, p.Asp3396Ter (NM_003496.4); short protein forms D3439*, D3396*, D3425*.
Identifiers: ClinVar variation 3781123 (VCV003781123.1).

ClinVar aggregate classification (germline): Uncertain significance (1 of 4 stars; one submission).

Submission:

GeneDx
Classification: Uncertain significance. Last evaluated: 2024-10-17. Review status: criteria provided, single submitter. Criteria: GeneDx Variant Classification Process June 2021. Collection method: clinical testing. Allele origin: germline. Affected: yes.
Comment: Nonsense variant predicted to result in protein truncation or nonsense mediated decay in a gene or region of a gene for which loss of function is not a well-established mechanism of disease; Not observed at significant frequency in large population cohorts (gnomAD); Has not been previously published as pathogenic or benign to our knowledge